The following is an entry in ClinVar:

ClinVar aggregate classification (germline): Likely benign (1 of 4 stars; one submission).

Allele frequency attached by ClinVar (database versions not stated): 1000 Genomes Project 0.00879; gnomAD 0.00904 and 0.00976; 1000 Genomes Project 30x 0.00937; TOPMed 0.01011.
gnomAD v4.1: 1,363 of 151,746 alleles (0.9%); highest among the groups gnomAD compares: African/African-American, 3.1%; 18 homozygotes.

Submission:

GeneDx
Classification: Likely benign. Last evaluated: 2018-06-18. Review status: criteria provided, single submitter. Criteria: GeneDx Variant Classification (06012015). Collection method: clinical testing. Allele origin: germline. Affected: yes.
Comment: This variant is considered likely benign or benign based on one or more of the following criteria: it is a conservative change, it occurs at a poorly conserved position in the protein, it is predicted to be benign by multiple in silico algorithms, and/or has population frequency not consistent with disease.

NM_058216.3(RAD51C):c.838-293T>C

Gene: RAD51C (RAD51 paralog C; plus strand). Cytogenetic location: 17q22.
Variant type: single nucleotide variant.
Coding change: c.838-293T>C on transcript NM_058216.3 (MANE Select); 293 bases into the intron before coding-DNA position 838, T replaced by C.
Molecular consequence: intron variant.
Genome position (GRCh38, 1-based): chr17:58,720,453, T>C. VCF-style: chr17-58720453-T-C. GRCh37 (hg19) VCF-style: chr17-56797814-T-C.
Identifiers: ClinVar variation 679783 (VCV000679783.1), dbSNP rs150914550, ClinGen allele CA292067478.